The following is an entry in ClinVar:

ClinVar aggregate classification (germline): Likely benign (0 of 4 stars; one submission).

Conditions:
SARDH-related disorder. Also called: SARDH-related condition.

Allele frequency attached by ClinVar (database versions not stated): ESP Exome Variant Server 0.00008; ExAC 0.00015; gnomAD exomes 0.00016; TOPMed 0.00016; gnomAD 0.00020.
gnomAD v4.1: 260 of 1,613,392 alleles (0.016%); highest among the groups gnomAD compares: Middle Eastern, 0.033%; no homozygotes.

Submission:

PreventionGenetics, part of Exact Sciences
Classification: Likely benign for SARDH-related condition. Last evaluated: 2019-05-03. Review status: no assertion criteria provided. Collection method: clinical testing. Allele origin: germline.
Comment: This variant is classified as likely benign based on ACMG/AMP sequence variant interpretation guidelines (Richards et al. 2015 PMID: 25741868, with internal and published modifications).

NM_001134707.2(SARDH):c.381C>T (p.Ala127=)

Gene: SARDH (sarcosine dehydrogenase; minus strand). Cytogenetic location: 9q34.2.
Variant type: single nucleotide variant.
Coding change: c.381C>T on transcript NM_001134707.2 (MANE Select); coding-DNA position 381, C replaced by T.
Protein change: p.Ala127=; no amino-acid change (alanine 127 retained).
Molecular consequence: synonymous variant.
Genome position (GRCh38, 1-based): chr9:133,732,552, G>A on the plus strand (C>T on the coding strand, the complement: SARDH is on the minus strand). VCF-style: chr9-133732552-G-A. GRCh37 (hg19) VCF-style: chr9-136597674-G-A.
Other names: c.381C>T, p.Ala127= (NM_007101.4).
Identifiers: ClinVar variation 3037278 (VCV003037278.2), dbSNP rs141604287, ClinGen allele CA5314825.